The following is an entry in ClinVar:

NM_015915.5(ATL1):c.523-13T>C

Gene: ATL1 (atlastin GTPase 1; plus strand). Cytogenetic location: 14q22.1.
Variant type: single nucleotide variant.
Coding change: c.523-13T>C on transcript NM_015915.5 (MANE Select); 13 bases into the intron before coding-DNA position 523, T replaced by C.
Molecular consequence: intron variant.
Genome position (GRCh38, 1-based): chr14:50,593,833, T>C. VCF-style: chr14-50593833-T-C. GRCh37 (hg19) VCF-style: chr14-51060551-T-C.
Other names: c.523-13T>C (NM_001127713.1, NM_181598.4).
Identifiers: ClinVar variation 313295 (VCV000313295.9), dbSNP rs778508132, ClinGen allele CA7180261.

ClinVar aggregate classification (germline): Likely benign. Review status: criteria provided, multiple submitters, no conflicts (2 of 4 stars). 2 submissions from 2 submitters: Likely benign (2). Last evaluated 2024-05-29.

Conditions:
Hereditary spastic paraplegia 3A (SPG3A). Also called: SPASTIC PARAPLEGIA 3, AUTOSOMAL DOMINANT; FAMILIAL SPASTIC PARAPLEGIA, AUTOSOMAL DOMINANT, 1; SPG3; STRUMPELL DISEASE; Spastic Paraplegia 3A; Spastic paraplegia 3A, autosomal dominant. Identifiers: Orphanet 100984, MedGen C2931355, MONDO:0008437, OMIM 182600.

Allele frequency attached by ClinVar (database versions not stated): gnomAD 0.00001; gnomAD exomes 0.00002 and 0.00004; ExAC 0.00003; TOPMed 0.00003.
gnomAD v4.1: 32 of 1,545,178 alleles (0.0021%); highest among the groups gnomAD compares: South Asian, 0.017%; no homozygotes.

Submissions (2):

Labcorp Genetics (formerly Invitae), Labcorp
Classification: Likely benign for Hereditary spastic paraplegia 3A. Last evaluated: 2024-05-29. Review status: criteria provided, single submitter. Criteria: Invitae Variant Classification Sherloc (09022015). Collection method: clinical testing. Allele origin: germline.

Illumina Laboratory Services, Illumina
Classification: Likely benign for Hereditary spastic paraplegia 3A. Last evaluated: 2018-01-13. Review status: criteria provided, single submitter. Criteria: ICSL Variant Classification Criteria 13 December 2019. Collection method: clinical testing. Allele origin: germline.
Comment: This variant was observed in the ICSL laboratory as part of a predisposition screen in an ostensibly healthy population. It had not been previously curated by ICSL or reported in the Human Gene Mutation Database (HGMD: prior to June 1st, 2018), and was therefore a candidate for classification through an automated scoring system. Utilizing variant allele frequency, disease prevalence and penetrance estimates, and inheritance mode, an automated score was calculated to assess if this variant is too frequent to cause the disease. Based on the score and internal cut-off values, a variant classified as likely benign is not then subjected to further curation. The score for this variant resulted in a classification of likely benign for this disease.